The following is an entry in ClinVar:

ClinVar aggregate classification (germline): Benign/Likely benign. Review status: criteria provided, multiple submitters, no conflicts (2 of 4 stars). 23 submissions from 23 submitters: Benign (12); Likely benign (7). 4 of the submissions do not count toward it. Last evaluated 2026-09-01.

Conditions:
Hereditary cancer-predisposing syndrome. Also called: Neoplastic Syndromes, Hereditary; Tumor predisposition; Hereditary Cancer Syndrome; Hereditary neoplastic syndrome. Identifiers: Orphanet 140162, MedGen C0027672, MeSH D009386, MONDO:0015356.
Tuberous sclerosis syndrome (TSC). Also called: Tuberous Sclerosis Complex; Tuberous sclerosis. Identifiers: Orphanet 805, MedGen C0041341, MONDO:0001734.
Tuberous sclerosis 2 (TSC2). Identifiers: Orphanet 805, MedGen C1860707, MONDO:0013199, OMIM 613254.

Allele frequency attached by ClinVar (database versions not stated): TOPMed 0.00200; gnomAD 0.00332; ExAC 0.00346; 1000 Genomes Project 30x 0.00172; 1000 Genomes Project 0.00180; ESP Exome Variant Server 0.00192.
gnomAD v4.1: 5,099 of 1,612,278 alleles (0.32%); highest among the groups gnomAD compares: Non-Finnish European, 0.31%; 10 homozygotes.

Submissions (23):

CeGaT Center for Human Genetics Tuebingen
Classification: Likely benign. Last evaluated: 2026-09-01. Review status: criteria provided, single submitter. Criteria: CeGaT Center For Human Genetics Tuebingen Variant Classification Criteria Version 2. Collection method: clinical testing. Allele origin: germline. Affected: yes. Observed: 99 variant alleles.
Comment: TSC2: BP4, BP7, BS1

Labcorp Genetics (formerly Invitae), Labcorp
Classification: Benign for Tuberous sclerosis 2. Last evaluated: 2026-02-04. Review status: criteria provided, single submitter. Criteria: Invitae Variant Classification Sherloc (09022015). Collection method: clinical testing. Allele origin: germline.

Mayo Clinic Laboratories, Mayo Clinic
Classification: Likely benign. Last evaluated: 2025-09-04. Review status: criteria provided, single submitter. Criteria: ACMG Guidelines, 2015. Collection method: clinical testing. Allele origin: germline. Observed: 5 variant alleles.
Comment: BS1, BP4, BP7

Myriad Genetics, Inc.
Classification: Benign for Tuberous sclerosis 2. Last evaluated: 2025-05-09. Review status: criteria provided, single submitter. Criteria: Myriad Autosomal Dominant, Autosomal Recessive and X-Linked Classification Criteria (2023). Collection method: clinical testing. Allele origin: unknown.
Comment: This variant is considered benign. This variant is a silent/synonymous amino acid change and it is not expected to impact splicing.

Blueprint Genetics
Classification: Likely benign. Last evaluated: 2024-11-27. Review status: criteria provided, single submitter. Criteria: ACMG Guidelines, 2015. Collection method: clinical testing. Allele origin: germline.

Women's Health and Genetics/Laboratory Corporation of America, LabCorp
Classification: Benign. Last evaluated: 2024-04-27. Review status: criteria provided, single submitter. Criteria: LabCorp Variant Classification Summary - May 2015. Collection method: clinical testing. Allele origin: germline.

All of Us Research Program, National Institutes of Health
Classification: Benign for Tuberous sclerosis syndrome. Last evaluated: 2024-02-05. Review status: criteria provided, single submitter. Criteria: ACMG Guidelines, 2015. Collection method: clinical testing. Allele origin: germline. Inheritance: Autosomal dominant inheritance. Observed: 643 variant alleles, 643 heterozygotes.
Comment: This study involves interpretation of variants in research participants for the purpose of population health screening. Participant phenotype was not available at the time of variant classification. Additional details can be found in publication PMID: 35346344, PMCID: PMC8962531

ARUP Laboratories, Molecular Genetics and Genomics, ARUP Laboratories
Classification: Benign. Last evaluated: 2023-10-10. Review status: criteria provided, single submitter. Criteria: ARUP Molecular Germline Variant Investigation Process 2024. Collection method: clinical testing. Allele origin: germline.

KCCC/NGS Laboratory, Kuwait Cancer Control Center
Classification: Benign for Tuberous sclerosis 2. Last evaluated: 2023-07-07. Review status: criteria provided, single submitter. Criteria: ACMG Guidelines, 2015. Collection method: clinical testing. Allele origin: germline. Affected: yes.

Color Diagnostics, LLC DBA Color Health
Classification: Benign for Tuberous sclerosis syndrome. Last evaluated: 2022-09-20. Review status: criteria provided, single submitter. Criteria: ACMG Guidelines, 2015. Collection method: clinical testing. Allele origin: germline.

Genome-Nilou Lab
Classification: Benign for Tuberous sclerosis 2. Last evaluated: 2021-11-07. Review status: criteria provided, single submitter. Criteria: ACMG Guidelines, 2015. Collection method: clinical testing. Allele origin: germline. Affected: no.

Illumina Laboratory Services, Illumina
Classification: Benign for Tuberous sclerosis syndrome. Last evaluated: 2018-01-12. Review status: criteria provided, single submitter. Criteria: ICSL Variant Classification Criteria 13 December 2019. Collection method: clinical testing. Allele origin: germline.
Comment: This variant was observed in the ICSL laboratory as part of a predisposition screen in an ostensibly healthy population. It had not been previously curated by ICSL or reported in the Human Gene Mutation Database (HGMD: prior to June 1st, 2018), and was therefore a candidate for classification through an automated scoring system. Utilizing variant allele frequency, disease prevalence and penetrance estimates, and inheritance mode, an automated score was calculated to assess if this variant is too frequent to cause the disease. Based on the score and internal cut-off values, a variant classified as benign is not then subjected to further curation. The score for this variant resulted in a classification of benign for this disease.

Genomic Diagnostic Laboratory, Division of Genomic Diagnostics, Children's Hospital of Philadelphia
Classification: Benign for Tuberous sclerosis 2. Last evaluated: 2015-09-23. Review status: criteria provided, single submitter. Criteria: DGD Variant Analysis Guidelines. Collection method: clinical testing. Allele origin: unknown.

Genetic Services Laboratory, University of Chicago
Classification: Likely benign. Last evaluated: 2015-04-06. Review status: criteria provided, single submitter. Criteria: ACMG Guidelines, 2015. Collection method: clinical testing. Allele origin: germline.

Ambry Genetics
Classification: Likely benign for Hereditary cancer-predisposing syndrome. Last evaluated: 2014-10-23. Review status: criteria provided, single submitter. Criteria: Ambry Variant Classification Scheme 2023. Collection method: clinical testing. Allele origin: germline.

Eurofins Ntd Llc (ga)
Classification: Likely benign. Last evaluated: 2014-06-11. Review status: criteria provided, single submitter. Criteria: EGL Classification Definitions 2015. Collection method: clinical testing. Allele origin: germline. Observed: 1 variant allele, 1 heterozygote.

Laboratory for Molecular Medicine, Mass General Brigham Personalized Medicine
Classification: Likely benign. Last evaluated: 2013-02-21. Review status: criteria provided, single submitter. Criteria: LMM Criteria. Collection method: clinical testing. Allele origin: germline. Observed: 2 variant alleles.
Comment: Leu243Leu in exon 8 of TSC2: This variant is not expected to have clinical signi ficance because it does not alter an amino acid residue and is not located withi n the splice consensus sequence. It has been identified in 0.3% (23/8600) of Eur opean American chromosomes from a broad population by the NHLBI Exome Sequencing Project (dbSNP rs45473698).

GeneDx
Classification: Benign. Last evaluated: 2013-02-20. Review status: criteria provided, single submitter. Criteria: GeneDx Variant Classification (06012015). Collection method: clinical testing. Allele origin: germline. Affected: yes.
Comment: This variant is considered likely benign or benign based on one or more of the following criteria: it is a conservative change, it occurs at a poorly conserved position in the protein, it is predicted to be benign by multiple in silico algorithms, and/or has population frequency not consistent with disease.

PreventionGenetics, part of Exact Sciences
Classification: Benign. Review status: criteria provided, single submitter. Criteria: ACMG Guidelines, 2015. Collection method: clinical testing. Allele origin: germline.

Clinical Genetics DNA and cytogenetics Diagnostics Lab, Erasmus MC, Erasmus Medical Center
Classification: Benign. Review status: no assertion criteria provided. Collection method: clinical testing. Allele origin: germline. Affected: yes. Study: VKGL Data-share Consensus. Not counted in ClinVar's aggregate classification.

Clinical Genetics, Academic Medical Center
Classification: Benign. Review status: no assertion criteria provided. Collection method: clinical testing. Allele origin: germline. Affected: yes. Study: VKGL Data-share Consensus. Not counted in ClinVar's aggregate classification.

Genome Diagnostics Laboratory, Amsterdam University Medical Center
Classification: Benign. Review status: no assertion criteria provided. Collection method: clinical testing. Allele origin: germline. Affected: yes. Study: VKGL Data-share Consensus. Not counted in ClinVar's aggregate classification.

Tuberous sclerosis database (TSC2)
No classification provided. Condition: TSC. Review status: no classification provided. Criteria: Tuberous Sclerosis Database Assertion Criteria 2015. Collection method: curation. Allele origin: germline. Affected: yes. Not counted in ClinVar's aggregate classification.

NM_000548.5(TSC2):c.729C>G (p.Leu243=)

Gene: TSC2 (TSC complex subunit 2; plus strand). Cytogenetic location: 16p13.3.
Variant type: single nucleotide variant.
Coding change: c.729C>G on transcript NM_000548.5 (MANE Select); coding-DNA position 729, C replaced by G.
Protein change: p.Leu243=; no amino-acid change (leucine 243 retained).
Molecular consequence: synonymous variant.
Genome position (GRCh38, 1-based): chr16:2,056,724, C>G. VCF-style: chr16-2056724-C-G. GRCh37 (hg19) VCF-style: chr16-2106725-C-G.
Other names: p.L243L:CTC>CTG; p.Leu243=; c.729C>G (NM_000548.4); c.729C>G, p.Leu243= (NM_001077183.3, NM_001114382.3, NM_001363528.2 and 3 more transcripts); c.618C>G, p.Leu206= (NM_001318827.2); c.582C>G, p.Leu194= (NM_001318829.2); c.129C>G, p.Leu43= (NM_001318831.2); c.762C>G, p.Leu254= (NM_001318832.2).
Identifiers: ClinVar variation 49382 (VCV000049382.78), dbSNP rs45473698, ClinGen allele CA022884.